The following is an entry in ClinVar:

NM_001142800.2(EYS):c.607C>T (p.Gln203Ter)

Gene: EYS (EGF-like photoreceptor maintenance factor; minus strand). Cytogenetic location: 6q12.
Variant type: single nucleotide variant.
Coding change: c.607C>T on transcript NM_001142800.2 (MANE Select); coding-DNA position 607, C replaced by T.
Protein change: p.Gln203Ter; replaces glutamine 203 with a stop codon.
Molecular consequence: nonsense.
Genome position (GRCh38, 1-based): chr6:65,494,804, G>A on the plus strand (C>T on the coding strand, the complement: EYS is on the minus strand). VCF-style: chr6-65494804-G-A. GRCh37 (hg19) VCF-style: chr6-66204697-G-A.
Other names: c.607C>T, p.Gln203Ter (NM_001142801.2, NM_001292009.2, NM_198283.2); short protein forms Q203*.
Identifiers: ClinVar variation 1076293 (VCV001076293.13), dbSNP rs1766182274, ClinGen allele CA364789540.
Genomic context (GRCh38, chr6:65,494,804, plus strand): 5'-TACATGGTTTAAAAGAACATGCATCAAGTTCCTGGCAGTATTTTCCAGAAAATGGAGGCT[G>A]GCAATGGCAGCTATATGTCTTGCTCCAAGCTTCACTAAGACATTTACCATGACCAGAGCA-3'

ClinVar aggregate classification (germline): Pathogenic/Likely pathogenic. Review status: criteria provided, multiple submitters, no conflicts (2 of 4 stars). 6 submissions from 6 submitters: Pathogenic (5); Likely pathogenic (1). Last evaluated 2025-10-21.

Conditions:
EYS-related disorder. Also called: EYS-related condition.
Retinal dystrophy. Also called: Inherited retinal dystrophy. Identifiers: Orphanet 71862, MedGen C0854723, MeSH D058499, MONDO:0019118, HP:0000556.
Retinitis pigmentosa 25 (RP25). Identifiers: Orphanet 791, MedGen C1864446, MONDO:0011272, OMIM 602772.

Allele frequency attached by ClinVar (database versions not stated): gnomAD exomes below 0.00001; TOPMed below 0.00001.
gnomAD v4.1: 1 of 1,614,016 alleles (0.000062%); highest among the groups gnomAD compares: Non-Finnish European, 0.000085%; no homozygotes.

Submissions (6):

Myriad Genetics, Inc.
Classification: Pathogenic for Retinitis pigmentosa 25. Last evaluated: 2025-10-21. Review status: criteria provided, single submitter. Criteria: Myriad Autosomal Dominant, Autosomal Recessive and X-Linked Classification Criteria (2023). Collection method: clinical testing. Allele origin: unknown.
Comment: NM_001142800.1(EYS):c.607C>T(Q203*) is a nonsense variant classified as pathogenic in the context of retinitis pigmentosa, EYS-related. Q203* has been observed in cases with relevant disease (PMID: 39462066, 31213501). Relevant functional assessments of this variant are not available in the literature. Q203* has not been observed in referenced population frequency databases. In summary, NM_001142800.1(EYS):c.607C>T(Q203*) is a nonsense variant in a gene where loss of function is a known mechanism of disease, is predicted to disrupt protein function, and has been observed more frequently in cases with the relevant disease than in healthy populations. Please note: this variant was assessed in the context of healthy population screening.

Baylor Genetics
Classification: Pathogenic for Retinitis pigmentosa 25. Last evaluated: 2024-02-05. Review status: criteria provided, single submitter. Criteria: ACMG Guidelines, 2015. Collection method: clinical testing. Allele origin: unknown.

Dept Of Ophthalmology, Nagoya University
Classification: Pathogenic for Retinal dystrophy. Last evaluated: 2023-10-01. Review status: criteria provided, single submitter. Criteria: Submitter's publication. Collection method: research. Allele origin: germline. Affected: yes.

Labcorp Genetics (formerly Invitae), Labcorp
Classification: Pathogenic. Last evaluated: 2023-01-28. Review status: criteria provided, single submitter. Criteria: Invitae Variant Classification Sherloc (09022015). Collection method: clinical testing. Allele origin: germline.
Comment: This variant has not been reported in the literature in individuals affected with EYS-related conditions. This variant is not present in population databases (gnomAD no frequency). This sequence change creates a premature translational stop signal (p.Gln203*) in the EYS gene. It is expected to result in an absent or disrupted protein product. Loss-of-function variants in EYS are known to be pathogenic (PMID: 18836446, 20333770). ClinVar contains an entry for this variant (Variation ID: 1076293). For these reasons, this variant has been classified as Pathogenic.

Blueprint Genetics
Classification: Likely pathogenic for EYS-related disorders. Last evaluated: 2018-10-16. Review status: criteria provided, single submitter. Criteria: ACMG Guidelines, 2015. Collection method: clinical testing. Allele origin: germline. Affected: yes. Observed: 3 variant alleles.

Institute of Human Genetics, Univ. Regensburg, Univ. Regensburg
Classification: Pathogenic for Retinal dystrophy. Last evaluated: 2018-01-01. Review status: criteria provided, single submitter. Criteria: ACMG Guidelines, 2015. Collection method: clinical testing. Allele origin: germline. Affected: yes.

Literature cited by the submitters: PubMed 31213501 (cited by Myriad Genetics, Inc. and Institute of Human Genetics, Univ. Regensburg, Univ. Regensburg); PubMed 39462066 (cited by Myriad Genetics, Inc.); PubMed 18836446 (cited by Labcorp Genetics (formerly Invitae), Labcorp); PubMed 20333770 (cited by Labcorp Genetics (formerly Invitae), Labcorp); PubMed 3628446 (cited by Institute of Human Genetics, Univ. Regensburg, Univ. Regensburg).